The following is an entry in ClinVar:

ClinVar aggregate classification (germline): Uncertain significance (1 of 4 stars; one submission).

Conditions:
Spinocerebellar ataxia type 10 (SCA10). Identifiers: Orphanet 98761, MedGen C1963674, MONDO:0011330, OMIM 603516.

Allele frequency attached by ClinVar (database versions not stated): gnomAD exomes 0.00001; TOPMed 0.00002.
gnomAD v4.1: 4 of 1,537,166 alleles (0.00026%); highest among the groups gnomAD compares: African/African-American, 0.0027%; no homozygotes.

Submission:

Centre for Mendelian Genomics, University Medical Centre Ljubljana
Classification: Uncertain significance for Spinocerebellar ataxia type 10. Last evaluated: 2018-10-26. Review status: criteria provided, single submitter. Criteria: ACMG Guidelines, 2015. Collection method: clinical testing. Allele origin: unknown. Affected: yes.
Comment: This variant was classified as: Uncertain significance. The available evidence on this variant's pathogenicity is insufficient or conflicting. The following ACMG criteria were applied in classifying this variant: PM2,BP4.

NM_013236.4(ATXN10):c.13A>G (p.Arg5Gly)

Gene: ATXN10 (ataxin 10; plus strand). Cytogenetic location: 22q13.31.
Variant type: single nucleotide variant.
Coding change: c.13A>G on transcript NM_013236.4 (MANE Select); coding-DNA position 13, A replaced by G.
Protein change: p.Arg5Gly; replaces arginine 5 with glycine.
Molecular consequence: missense variant.
Genome position (GRCh38, 1-based): chr22:45,672,076, A>G. VCF-style: chr22-45672076-A-G. GRCh37 (hg19) VCF-style: chr22-46067956-A-G.
Other names: c.13A>G, p.Arg5Gly (NM_001167621.2); short protein forms R5G.
Identifiers: ClinVar variation 930239 (VCV000930239.3), dbSNP rs1296770412, ClinGen allele CA411979856.